The following is an entry in ClinVar:

ClinVar aggregate classification (germline): Likely benign (0 of 4 stars; one submission).

Conditions:
ERGIC1-related disorder. Also called: ERGIC1-related condition.

Allele frequency attached by ClinVar (database versions not stated): gnomAD 0.00035; gnomAD exomes 0.00036; TOPMed 0.00040; ExAC 0.00048; ESP Exome Variant Server 0.00054.
gnomAD v4.1: 582 of 1,609,252 alleles (0.036%); highest among the groups gnomAD compares: Non-Finnish European, 0.044%; no homozygotes.

Submission:

PreventionGenetics, part of Exact Sciences
Classification: Likely benign for ERGIC1-related condition. Last evaluated: 2019-06-07. Review status: no assertion criteria provided. Collection method: clinical testing. Allele origin: germline.
Comment: This variant is classified as likely benign based on ACMG/AMP sequence variant interpretation guidelines (Richards et al. 2015 PMID: 25741868, with internal and published modifications).

NM_001031711.3(ERGIC1):c.766-9C>T

Gene: ERGIC1 (endoplasmic reticulum-golgi intermediate compartment 1; plus strand). Cytogenetic location: 5q35.1.
Variant type: single nucleotide variant.
Coding change: c.766-9C>T on transcript NM_001031711.3 (MANE Select); 9 bases into the intron before coding-DNA position 766, C replaced by T.
Molecular consequence: intron variant.
Genome position (GRCh38, 1-based): chr5:172,950,700, C>T. VCF-style: chr5-172950700-C-T. GRCh37 (hg19) VCF-style: chr5-172377703-C-T.
Identifiers: ClinVar variation 3033413 (VCV003033413.2), dbSNP rs200374455, ClinGen allele CA3562513.